The following is an entry in ClinVar:

ClinVar aggregate classification (germline): Uncertain significance. Review status: criteria provided, multiple submitters, no conflicts (2 of 4 stars). 3 submissions from 3 submitters: Uncertain significance (3). Last evaluated 2024-05-01.

Conditions:
Malignant hyperthermia, susceptibility to, 1 (MHS1). Also called: Malignant hyperthermia suceptibility 1; Anesthesia related hyperthermia; Malignant hyperpyrexia; Fulminating hyperpyrexia; Pharmacogenic myopathy; RYR1-Related Malignant Hyperthermia Susceptibility. Identifiers: Orphanet 423, MedGen C2930980, MONDO:0007783, OMIM 145600.
RYR1-related disorder. Also called: RYR1-related condition; RYR1-related disorders. Identifiers: MedGen CN239331.

Allele frequency attached by ClinVar (database versions not stated): TOPMed 0.00001; 1000 Genomes Project 30x 0.00016; 1000 Genomes Project 0.00020.
gnomAD v4.1: 23 of 1,574,356 alleles (0.0015%); highest among the groups gnomAD compares: Middle Eastern, 0.023%; no homozygotes.

Submissions (3):

CeGaT Center for Human Genetics Tuebingen
Classification: Uncertain significance. Last evaluated: 2024-05-01. Review status: criteria provided, single submitter. Criteria: CeGaT Center For Human Genetics Tuebingen Variant Classification Criteria Version 2. Collection method: clinical testing. Allele origin: germline. Affected: yes. Observed: 1 variant allele.
Comment: RYR1: PP3

All of Us Research Program, National Institutes of Health
Classification: Uncertain significance for Malignant hyperthermia, susceptibility to, 1. Last evaluated: 2024-03-05. Review status: criteria provided, single submitter. Criteria: ACMG Guidelines, 2015. Collection method: clinical testing. Allele origin: germline. Inheritance: Autosomal dominant inheritance. Observed: 1 variant allele, 1 heterozygote.
Comment: This study involves interpretation of variants in research participants for the purpose of population health screening. Participant phenotype was not available at the time of variant classification. Additional details can be found in publication PMID: 35346344, PMCID: PMC8962531

Labcorp Genetics (formerly Invitae), Labcorp
Classification: Uncertain significance for RYR1-related disorder. Last evaluated: 2023-10-17. Review status: criteria provided, single submitter. Criteria: Invitae Variant Classification Sherloc (09022015). Collection method: clinical testing. Allele origin: germline.
Comment: This sequence change affects codon 1620 of the RYR1 mRNA. It is a 'silent' change, meaning that it does not change the encoded amino acid sequence of the RYR1 protein. The frequency data for this variant in the population databases is considered unreliable, as metrics indicate poor data quality at this position in the gnomAD database. This variant has not been reported in the literature in individuals affected with RYR1-related conditions. Algorithms developed to predict the effect of sequence changes on RNA splicing suggest that this variant may create or strengthen a splice site. In summary, the available evidence is currently insufficient to determine the role of this variant in disease. Therefore, it has been classified as a Variant of Uncertain Significance.

NM_000540.3(RYR1):c.4860C>T (p.Gly1620=)

Gene: RYR1 (ryanodine receptor 1; plus strand). Cytogenetic location: 19q13.2.
Variant type: single nucleotide variant.
Coding change: c.4860C>T on transcript NM_000540.3 (MANE Select); coding-DNA position 4860, C replaced by T.
Protein change: p.Gly1620=; no amino-acid change (glycine 1620 retained).
Molecular consequence: synonymous variant.
Genome position (GRCh38, 1-based): chr19:38,483,442, C>T. VCF-style: chr19-38483442-C-T. GRCh37 (hg19) VCF-style: chr19-38974082-C-T.
Other names: c.4860C>T, p.Gly1620= (NM_001042723.2).
Identifiers: ClinVar variation 2902293 (VCV002902293.23), dbSNP rs200979691, ClinGen allele CA066476.